The following is an entry in ClinVar:

NM_016373.4(WWOX):c.1085G>A (p.Cys362Tyr)

Genes: MAF (MAF bZIP transcription factor; minus strand), WWOX (WW domain containing oxidoreductase; plus strand). Cytogenetic location: 16q23.2.
Variant type: single nucleotide variant.
Coding change: c.1085G>A on transcript NM_016373.4 (MANE Select); coding-DNA position 1085, G replaced by A.
Protein change: p.Cys362Tyr; replaces cysteine 362 with tyrosine.
Molecular consequence: missense variant.
Genome position (GRCh38, 1-based): chr16:79,211,636, G>A. VCF-style: chr16-79211636-G-A. GRCh37 (hg19) VCF-style: chr16-79245533-G-A.
Other names: c.746G>A, p.Cys249Tyr (NM_001291997.2); short protein forms C249Y, C362Y.
Identifiers: ClinVar variation 1046813 (VCV001046813.15), dbSNP rs778218106, ClinGen allele CA8183732.

ClinVar aggregate classification (germline): Conflicting classifications of pathogenicity. Review status: criteria provided, conflicting classifications (1 of 4 stars). 6 submissions from 6 submitters: Likely pathogenic (3); Uncertain significance (3). Last evaluated 2026-08-06.

Conditions:
Developmental and epileptic encephalopathy, 28 (DEE28). Also called: Epileptic encephalopathy, early infantile, 28. Identifiers: Orphanet 442835, MedGen C4015519, MONDO:0014533, OMIM 616211.
Paediatric disorders.
Autosomal recessive spinocerebellar ataxia 12. Also called: SPINOCEREBELLAR ATAXIA WITH MENTAL RETARDATION AND EPILEPSY. Identifiers: Orphanet 284282, MedGen C3280452, MONDO:0013687, OMIM 614322.
Developmental and epileptic encephalopathy, 1 (DEE1). Also called: X-linked infantile spasms; West's syndrome; Tonic spasms with clustering, arrest of psychomotor development and hypsarrhythmia on EEG; X-Linked Infantile Spasm Syndrome; OHTAHARA SYNDROME, X-LINKED; Epileptic encephalopathy, early infantile, 1. Identifiers: MedGen C3463992, MONDO:0010632, OMIM 308350. Disease mechanism: loss of function.

Allele frequency attached by ClinVar (database versions not stated): gnomAD exomes below 0.00001 and 0.00005; ExAC 0.00001; gnomAD 0.00001; TOPMed 0.00002.
gnomAD v4.1: 75 of 1,614,046 alleles (0.0046%); highest among the groups gnomAD compares: Non-Finnish European, 0.0063%; no homozygotes.

Submissions (6):

NHS Central & South Genomic Laboratory Hub
Classification: Likely pathogenic for Paediatric disorders. Last evaluated: 2026-08-06. Review status: criteria provided, single submitter. Criteria: ACMG Guidelines, 2015. Collection method: clinical testing. Allele origin: germline. Affected: yes.

Kids Research, The Children's Hospital at Westmead
Classification: Likely pathogenic for Developmental and epileptic encephalopathy, 28. Last evaluated: 2024-09-20. Review status: criteria provided, single submitter. Criteria: ACMG Guidelines, 2015. Collection method: research. Allele origin: germline. Affected: yes.
Comment: PP3, PM2, PP5_Moderate, PM3_Strong

Women's Health and Genetics/Laboratory Corporation of America, LabCorp
Classification: Uncertain significance. Last evaluated: 2024-03-06. Review status: criteria provided, single submitter. Criteria: LabCorp Variant Classification Summary - May 2015. Collection method: clinical testing. Allele origin: germline.
Comment: Variant summary: WWOX c.1085G>A (p.Cys362Tyr) results in a non-conservative amino acid change located in the WWOX, classical (c)-like SDR domain (IPR042732) of the encoded protein sequence. Five of five in-silico tools predict a damaging effect of the variant on protein function. The variant allele was found at a frequency of 4e-06 in 249350 control chromosomes. The available data on variant occurrences in the general population are insufficient to allow any conclusion about variant significance. To our knowledge, no occurrence of c.1085G>A in individuals affected with Early Infantile Epileptic Encephalopathy, Autosomal Recessive and no experimental evidence demonstrating its impact on protein function have been reported. ClinVar contains an entry for this variant (Variation ID: 1046813). Based on the evidence outlined above, the variant was classified as uncertain significance.

Labcorp Genetics (formerly Invitae), Labcorp
Classification: Uncertain significance for Developmental and epileptic encephalopathy, 1; Autosomal recessive spinocerebellar ataxia 12. Last evaluated: 2023-08-30. Review status: criteria provided, single submitter. Criteria: Invitae Variant Classification Sherloc (09022015). Collection method: clinical testing. Allele origin: germline.
Comment: This sequence change replaces cysteine, which is neutral and slightly polar, with tyrosine, which is neutral and polar, at codon 362 of the WWOX protein (p.Cys362Tyr). This variant is present in population databases (rs778218106, gnomAD 0.0009%). This variant has not been reported in the literature in individuals affected with WWOX-related conditions. ClinVar contains an entry for this variant (Variation ID: 1046813). Advanced modeling of protein sequence and biophysical properties (such as structural, functional, and spatial information, amino acid conservation, physicochemical variation, residue mobility, and thermodynamic stability) performed at Invitae indicates that this missense variant is expected to disrupt WWOX protein function. In summary, the available evidence is currently insufficient to determine the role of this variant in disease. Therefore, it has been classified as a Variant of Uncertain Significance.

Blueprint Genetics
Classification: Uncertain significance. Last evaluated: 2022-12-08. Review status: criteria provided, single submitter. Criteria: ACMG Guidelines, 2015. Collection method: clinical testing. Allele origin: germline.

GeneDx
Classification: Likely pathogenic. Last evaluated: 2019-12-06. Review status: criteria provided, single submitter. Criteria: GeneDx Variant Classification Process June 2021. Collection method: clinical testing. Allele origin: germline. Affected: yes.
Comment: Has not been previously published as pathogenic or benign to our knowledge; In silico analysis, which includes protein predictors and evolutionary conservation, supports a deleterious effect; Not observed at a significant frequency in large population cohorts (Lek et al., 2016)